The following is an entry in ClinVar:

NM_000834.5(GRIN2B):c.1844A>G (p.Asn615Ser)

Gene: GRIN2B (glutamate ionotropic receptor NMDA type subunit 2B; minus strand). Cytogenetic location: 12p13.1.
Variant type: single nucleotide variant.
Coding change: c.1844A>G on transcript NM_000834.5 (MANE Select); coding-DNA position 1844, A replaced by G.
Protein change: p.Asn615Ser; replaces asparagine 615 with serine.
Molecular consequence: missense variant.
Genome position (GRCh38, 1-based): chr12:13,608,769, T>C on the plus strand (A>G on the coding strand, the complement: GRIN2B is on the minus strand). VCF-style: chr12-13608769-T-C. GRCh37 (hg19) VCF-style: chr12-13761703-T-C.
Other names: c.1844A>G, p.Asn615Ser (NM_001413992.1); short protein forms N615S.
Identifiers: ClinVar variation 1805847 (VCV001805847.2), dbSNP rs672601377, ClinGen allele CA384051222.

ClinVar aggregate classification (germline): Pathogenic/Likely pathogenic. Review status: criteria provided, multiple submitters, no conflicts (2 of 4 stars). 2 submissions from 2 submitters: Pathogenic (1); Likely pathogenic (1). Last evaluated 2024-12-26.

Conditions:
Developmental and epileptic encephalopathy, 27 (DEE27). Also called: GRIN2B-Related Neurodevelopmental Disorder; Epileptic encephalopathy, early infantile, 27. Identifiers: Orphanet 3451, MedGen C4015316, MONDO:0014505, OMIM 616139.
Intellectual developmental disorder, autosomal dominant 6, with or without seizures. Also called: Intellectual disability, autosomal dominant 6; GRIN2B-related developmental delay, intellectual disability and autism spectrum disorder. Identifiers: Orphanet 589547, MedGen C3151411, MONDO:0013509, OMIM 613970.

Submissions (2):

3billion
Classification: Likely pathogenic for Intellectual developmental disorder, autosomal dominant 6, with or without seizures. Last evaluated: 2024-12-26. Review status: criteria provided, single submitter. Criteria: ACMG Guidelines, 2015. Collection method: clinical testing. Allele origin: germline. Affected: yes.
Comment: The variant is not observed in the gnomAD v4.1.0 dataset. Predicted Consequence/Location: The variant is located in a mutational hot spot and/or well-established functional domain in which established pathogenic variants have been reported. In silico tool predictions suggest damaging effect of the variant on gene or gene product [3Cnet: 0.94 (>=0.6, sensitivity 0.72 and precision 0.9)]. The same nucleotide change resulting in the same amino acid change has been previously reported to be associated with GRIN2B-related disorder (ClinVar ID: VCV001805847).Different missense changes at the same codon (p.Asn615His, p.Asn615Ile, p.Asn615Lys) have been reported as pathogenic/likely pathogenic with strong evidence (ClinVar ID: VCV000162086, VCV000916607 /PMID: 24272827, 33528079). Therefore, this variant is classified as Likely pathogenic according to the recommendation of ACMG/AMP guideline.

Victorian Clinical Genetics Services, Murdoch Childrens Research Institute
Classification: Pathogenic. Last evaluated: 2020-10-19. Review status: criteria provided, single submitter. Criteria: ACMG Guidelines, 2015. Collection method: clinical testing. Allele origin: germline. Inheritance: Autosomal dominant inheritance. Affected: yes.
Comment: Based on the classification scheme VCGS_Germline_v1.3.3, this variant is classified as Pathogenic. Following criteria are met: 0103 - Loss of function and gain of function are known mechanisms of disease in this gene and are associated with GRIN2B-related neurodevelopmental disorder (OMIM). (I) 0107 - This gene is associated with autosomal dominant disease. (I) 0200 - Variant is predicted to result in a missense amino acid change from asparagine to serine. (I) 0251 - This variant is heterozygous. (I) 0301 - Variant is absent from gnomAD (both v2 and v3). (SP) 0502 - Missense variant with conflicting in silico predictions and uninformative conservation. (I) 0602 - Variant is located in a hotspot region or cluster of pathogenic variants. Pathogenic missense cluster in the ligand-binding and transmembrane domains (PMID: 28377535). (SP) 0702 - Other missense variants comparable to the one identified in this case have strong previous evidence for pathogenicity. Alternative de novo changes to lysine and isoleucine at the same residue have previously been reported in multiple individuals with GRIN2B-related neurodevelopmental disorder (ClinVar, Decipher, LOVD, PMID: 28377535). (SP) 0807 - This variant has no previous evidence of pathogenicity. (I) 0905 - No published segregation evidence has been identified for this variant. (I) 1007 - No published functional evidence has been identified for this variant. (I) 1102 - Strong phenotype match for this individual. (SP) Legend: (SP) - Supporting pathogenic, (I) - Information, (SB) - Supporting benign

Literature cited by the submitters: PubMed 24272827 (cited by 3billion); PubMed 28377535 (cited by Victorian Clinical Genetics Services, Murdoch Childrens Research Institute).